The following is an entry in ClinVar:

ClinVar aggregate classification (germline): Pathogenic. Review status: criteria provided, multiple submitters, no conflicts (2 of 4 stars). 4 submissions from 4 submitters: Pathogenic (3). 1 of the submissions does not count toward it. Last evaluated 2025-08-11.

Conditions:
Cardiovascular phenotype. Identifiers: MedGen CN230736.
Alstrom syndrome (ALMS). Identifiers: Orphanet 64, MedGen C0268425, MONDO:0008763, OMIM 203800.

Submissions (4):

Ambry Genetics
Classification: Pathogenic for Cardiovascular phenotype. Last evaluated: 2025-08-11. Review status: criteria provided, single submitter. Criteria: Ambry Variant Classification Scheme 2023. Collection method: clinical testing. Allele origin: germline.
Comment: The c.4296_4299delCACA pathogenic mutation, located in coding exon 8 of the ALMS1 gene, results from a deletion of 4 nucleotides at nucleotide positions 4296 to 4299, causing a translational frameshift with a predicted alternate stop codon (p.H1432Qfs*40). This variant was reported as a compound heterozygote in individual(s) with features consistent with Alstrom syndrome (Shenje LT et al. Nat Commun, 2014 Mar;5:3416). This variant is considered to be rare based on population cohorts in the Genome Aggregation Database (gnomAD). This alteration is expected to result in loss of function by premature protein truncation or nonsense-mediated mRNA decay. As such, this alteration is interpreted as a disease-causing mutation.

Labcorp Genetics (formerly Invitae), Labcorp
Classification: Pathogenic for Alstrom syndrome. Last evaluated: 2025-04-17. Review status: criteria provided, single submitter. Criteria: Invitae Variant Classification Sherloc (09022015). Collection method: clinical testing. Allele origin: germline.
Comment: This sequence change creates a premature translational stop signal (p.His1432Glnfs*40) in the ALMS1 gene. It is expected to result in an absent or disrupted protein product. Loss-of-function variants in ALMS1 are known to be pathogenic (PMID: 17594715). This variant is not present in population databases (gnomAD no frequency). This premature translational stop signal has been observed in individual(s) with clinical features of ALMS1-related conditions (PMID: 24595103). ClinVar contains an entry for this variant (Variation ID: 92192). For these reasons, this variant has been classified as Pathogenic.

Baylor-Hopkins Center for Mendelian Genomics, Johns Hopkins University School of Medicine
Classification: Pathogenic for Alstrom syndrome. Review status: criteria provided, single submitter. Criteria: Submitter's publication. Collection method: research. Allele origin: germline. Affected: yes. Observed: 1 compound heterozygote.

Johns Hopkins Genetic Resources Core Facility; Johns Hopkins University
No classification provided. Review status: no classification provided. Collection method: not provided. Allele origin: germline. Not counted in ClinVar's aggregate classification.

Literature cited by the submitters: PubMed 24595103 (cited by Ambry Genetics and Labcorp Genetics (formerly Invitae), Labcorp); PubMed 17594715 (cited by Labcorp Genetics (formerly Invitae), Labcorp).

NM_001378454.1(ALMS1):c.4293_4296del (p.His1431fs)

Gene: ALMS1 (ALMS1 centrosome and basal body associated protein; plus strand). Cytogenetic location: 2p13.1.
Variant type: Microsatellite.
Coding change: c.4293_4296del on transcript NM_001378454.1 (MANE Select); coding-DNA positions 4293 to 4296, 4 bases deleted (CACA; older notation c.4293_4296delCACA).
Protein change: p.His1431fs; shifts the reading frame from histidine 1431.
Molecular consequence: frameshift variant.
Genome position (GRCh38, 1-based): chr2:73,450,820-73,450,823, CACA deleted; deleting any 4 consecutive bases within chr2:73,450,816-73,450,823 gives the same sequence; the c. name uses the placement nearest the transcript's 3' end. VCF-style (leftmost placement, unchanged base first): chr2-73450815-TCACA-T. GRCh37 (hg19) VCF-style: chr2-73677942-TCACA-T.
Other names: c.4296_4299delCACA (NM_015120.4); c.4296_4299del, p.His1432fs (NM_015120.4); short protein forms H1432fs, H1431fs.
Identifiers: ClinVar variation 92192 (VCV000092192.11), dbSNP rs398122993, ClinGen allele CA220117.
Genomic context (GRCh38, chr2:73,450,815, plus strand): 5'-GCGGTTCCTGGACCAGGTGACCGGAAGACTGGGATACCAACTTTACCCTCTACTTTCTAC[TCACA>T]CACAGAGAAGCCTGGTAGTTTCTACCAACAGGTCTTGCCACATAGTCATCTACCTGAAGA-3'